The following is an entry in ClinVar:

NM_001197104.2(KMT2A):c.7010A>G (p.Gln2337Arg)

Gene: KMT2A (lysine methyltransferase 2A; plus strand). Cytogenetic location: 11q23.3.
Variant type: single nucleotide variant.
Coding change: c.7010A>G on transcript NM_001197104.2 (MANE Select); coding-DNA position 7010, A replaced by G.
Protein change: p.Gln2337Arg; replaces glutamine 2337 with arginine.
Molecular consequence: missense variant.
Genome position (GRCh38, 1-based): chr11:118,502,902, A>G. VCF-style: chr11-118502902-A-G. GRCh37 (hg19) VCF-style: chr11-118373617-A-G.
Other names: c.7100A>G, p.Gln2367Arg (NM_001412597.1); c.7001A>G, p.Gln2334Arg (NM_005933.4); short protein forms Q2337R, Q2334R, Q2367R.
Identifiers: ClinVar variation 2084405 (VCV002084405.4), dbSNP rs782696657, ClinGen allele CA6304341.
Genomic context (GRCh38, chr11:118,502,902, plus strand): 5'-AGAGCTCAGAGGGATCTGCACATAATGTGGCTTACCCTGGAATTCCTAAACTGGCCCCAC[A>G]GGTTCATAACACAACATCTAGAGAACTGAATGTTAGTAAAATCGGCTCCTTTGCTGAACC-3'
Protein context (NP_001184033.1, residues 2327-2347): AYPGIPKLAP[Gln2337Arg]VHNTTSRELN

ClinVar aggregate classification (germline): Uncertain significance (1 of 4 stars; one submission).

Allele frequency attached by ClinVar (database versions not stated): gnomAD exomes below 0.00001; ExAC 0.00002.
gnomAD v4.1: 4 of 1,614,204 alleles (0.00025%); highest among the groups gnomAD compares: East Asian, 0.0089%; no homozygotes.

Submission:

Labcorp Genetics (formerly Invitae), Labcorp
Classification: Uncertain significance. Last evaluated: 2025-09-28. Review status: criteria provided, single submitter. Criteria: Invitae Variant Classification Sherloc (09022015). Collection method: clinical testing. Allele origin: germline.
Comment: This sequence change replaces glutamine, which is neutral and polar, with arginine, which is basic and polar, at codon 2337 of the KMT2A protein (p.Gln2337Arg). This variant is present in population databases (rs782696657, gnomAD 0.02%). This variant has not been reported in the literature in individuals affected with KMT2A-related conditions. ClinVar contains an entry for this variant (Variation ID: 2084405). Invitae Evidence Modeling of protein sequence and biophysical properties (such as structural, functional, and spatial information, amino acid conservation, physicochemical variation, residue mobility, and thermodynamic stability) indicates that this missense variant is not expected to disrupt KMT2A protein function with a negative predictive value of 95%. In summary, the available evidence is currently insufficient to determine the role of this variant in disease. Therefore, it has been classified as a Variant of Uncertain Significance.